The following is an entry in ClinVar:

NM_032119.4(ADGRV1):c.12476A>C (p.His4159Pro)

Gene: ADGRV1 (adhesion G protein-coupled receptor V1; plus strand). Cytogenetic location: 5q14.3.
Variant type: single nucleotide variant.
Coding change: c.12476A>C on transcript NM_032119.4 (MANE Select); coding-DNA position 12476, A replaced by C.
Protein change: p.His4159Pro; replaces histidine 4159 with proline.
Molecular consequence: missense variant. On other transcripts: non-coding transcript variant (1).
Genome position (GRCh38, 1-based): chr5:90,776,525, A>C. VCF-style: chr5-90776525-A-C. GRCh37 (hg19) VCF-style: chr5-90072342-A-C.
Other names: short protein forms H4159P.
Identifiers: ClinVar variation 46260 (VCV000046260.21), dbSNP rs200805176, ClinGen allele CA138011.

ClinVar aggregate classification (germline): Conflicting classifications of pathogenicity. Review status: criteria provided, conflicting classifications (1 of 4 stars). 5 submissions from 5 submitters: Uncertain significance (1); Benign (1); Likely benign (2). 1 of the submissions does not count toward it. Last evaluated 2026-02-02.

Conditions:
ADGRV1-related disorder. Also called: ADGRV1-related disorders; ADGRV1-related condition.
Usher syndrome type 2C. Also called: Usher syndrome, type 2B; USHER SYNDROME, TYPE IIC. Identifiers: Orphanet 231178, Orphanet 886, MedGen C2931213, MONDO:0011558, OMIM 605472.

Allele frequency attached by ClinVar (database versions not stated): gnomAD 0.00012 and 0.00022; TOPMed 0.00015; 1000 Genomes Project 0.00020; 1000 Genomes Project 30x 0.00031; gnomAD exomes 0.00044 and 0.00076; ExAC 0.00075.
gnomAD v4.1: 659 of 1,613,328 alleles (0.041%); highest among the groups gnomAD compares: South Asian, 0.53%; 4 homozygotes.

Submissions (5):

Labcorp Genetics (formerly Invitae), Labcorp
Classification: Likely benign. Last evaluated: 2026-02-02. Review status: criteria provided, single submitter. Criteria: Invitae Variant Classification Sherloc (09022015). Collection method: clinical testing. Allele origin: germline.

Blueprint Genetics
Classification: Likely benign. Last evaluated: 2024-11-26. Review status: criteria provided, single submitter. Criteria: ACMG Guidelines, 2015. Collection method: clinical testing. Allele origin: germline.

Illumina Laboratory Services, Illumina
Classification: Uncertain significance for Usher syndrome type 2C. Last evaluated: 2018-01-12. Review status: criteria provided, single submitter. Criteria: ICSL Variant Classification Criteria 13 December 2019. Collection method: clinical testing. Allele origin: germline.

Laboratory for Molecular Medicine, Mass General Brigham Personalized Medicine
Classification: Benign. Last evaluated: 2016-06-07. Review status: criteria provided, single submitter. Criteria: LMM Criteria. Collection method: clinical testing. Allele origin: germline. Observed: 2 variant alleles.
Comment: p.His4159Pro in exon 61 of GPR98: This variant is not expected to have clinical significance because it has been identified in 0.5% (76/16486) of South Asian ch romosomes by the Exome Aggregation Consortium (ExAC. org; dbSNP rs200805176).

PreventionGenetics, part of Exact Sciences
Classification: Likely benign for ADGRV1-related condition. Last evaluated: 2019-10-11. Review status: no assertion criteria provided. Collection method: clinical testing. Allele origin: germline. Not counted in ClinVar's aggregate classification.
Comment: This variant is classified as likely benign based on ACMG/AMP sequence variant interpretation guidelines (Richards et al. 2015 PMID: 25741868, with internal and published modifications).